The following is an entry in ClinVar:

ClinVar aggregate classification (germline): Uncertain significance. Review status: criteria provided, multiple submitters, no conflicts (2 of 4 stars). 2 submissions from 2 submitters: Uncertain significance (2). Last evaluated 2021-08-31.

Conditions:
Long QT syndrome (LQTS). Identifiers: MedGen C0023976, MeSH D008133, MONDO:0002442. Disease mechanism: loss of function. Inheritance: Various modes of inheritance.
Cardiovascular phenotype. Identifiers: MedGen CN230736.

Allele frequency attached by ClinVar (database versions not stated): gnomAD 0.00001; TOPMed 0.00002; gnomAD exomes 0.00004 and 0.00008; ExAC 0.00005; 1000 Genomes Project 30x 0.00016; 1000 Genomes Project 0.00020.
gnomAD v4.1: 24 of 1,614,038 alleles (0.0015%); highest among the groups gnomAD compares: Admixed American, 0.04%; no homozygotes.

Submissions (2):

Labcorp Genetics (formerly Invitae), Labcorp
Classification: Uncertain significance for Long QT syndrome. Last evaluated: 2021-08-31. Review status: criteria provided, single submitter. Criteria: Invitae Variant Classification Sherloc (09022015). Collection method: clinical testing. Allele origin: germline.
Comment: This sequence change replaces serine with proline at codon 1667 of the AKAP9 protein (p.Ser1667Pro). The serine residue is weakly conserved and there is a moderate physicochemical difference between serine and proline. This variant is present in population databases (rs550448097, ExAC 0.05%). This variant has not been reported in the literature in individuals affected with AKAP9-related conditions. Algorithms developed to predict the effect of missense changes on protein structure and function (SIFT, PolyPhen-2, Align-GVGD) all suggest that this variant is likely to be tolerated. In summary, the available evidence is currently insufficient to determine the role of this variant in disease. Therefore, it has been classified as a Variant of Uncertain Significance.

Ambry Genetics
Classification: Uncertain significance for Cardiovascular phenotype. Last evaluated: 2020-03-26. Review status: criteria provided, single submitter. Criteria: Ambry Variant Classification Scheme 2023. Collection method: clinical testing. Allele origin: germline.
Comment: The p.S1667P variant (also known as c.4999T>C), located in coding exon 19 of the AKAP9 gene, results from a T to C substitution at nucleotide position 4999. The serine at codon 1667 is replaced by proline, an amino acid with similar properties. This amino acid position is well conserved in available vertebrate species. In addition, this alteration is predicted to be tolerated by in silico analysis. Since supporting evidence is limited at this time, the clinical significance of this alteration remains unclear.

NM_005751.5(AKAP9):c.4999T>C (p.Ser1667Pro)

Genes: AKAP9 (A-kinase anchoring protein 9; plus strand), LOC121175350 (Sharpr-MPRA regulatory region 2641; plus strand). Cytogenetic location: 7q21.2.
Variant type: single nucleotide variant.
Coding change: c.4999T>C on transcript NM_005751.5 (MANE Select); coding-DNA position 4999, T replaced by C.
Protein change: p.Ser1667Pro; replaces serine 1667 with proline.
Molecular consequence: missense variant.
Genome position (GRCh38, 1-based): chr7:92,042,127, T>C. VCF-style: chr7-92042127-T-C. GRCh37 (hg19) VCF-style: chr7-91671441-T-C.
Other names: c.4999T>C, p.Ser1667Pro (NM_147185.3); short protein forms S1667P.
Identifiers: ClinVar variation 1518194 (VCV001518194.8), dbSNP rs550448097, ClinGen allele CA4336711.
Genomic context (GRCh38, chr7:92,042,127, plus strand): 5'-AACCTGGTTTCAGAGAGAGAGAGGGTGCTTTTAGAGGAGCTGGAAGCACTAAAGCAGCTG[T>C]CTTTAGCTGGAAGAGAGAAGCTGTGTTGTGAGCTGCGCAACAGCAGTACGCAAACACAGG-3'
Protein context (NP_005742.4, residues 1657-1677): LEELEALKQL[Ser1667Pro]LAGREKLCCE